The following is an entry in ClinVar:

ClinVar aggregate classification (germline): Likely pathogenic (1 of 4 stars; one submission).

Submission:

GeneDx
Classification: Likely pathogenic. Last evaluated: 2017-01-10. Review status: criteria provided, single submitter. Criteria: GeneDx Variant Classification (06012015). Collection method: clinical testing. Allele origin: germline. Affected: yes.
Comment: The K219N variant in the KCNQ2 gene has not been reported previously as a pathogenic variant, nor as a benign variant, to our knowledge. This variant was not observed in approximately 6500 individuals of European and African American ancestry in the NHLBI Exome Sequencing Project, indicating it is not a common benign variant in these populations. The K219N variant is a semi-conservative amino acid substitution, which may impact secondary protein structure as these residues differ in some properties. This substitution occurs at a position that is conserved across species, and in silico analysis predicts this variant is probably damaging to the protein structure/function. Missense variants in nearby residues (R214W, G215R, T217A) have been reported in the Human Gene Mutation Database in association with KCNQ2-related disorders (Stenson et al., 2014), supporting the functional importance of this region of the protein. The K219N variant is a strong candidate for a pathogenic variant, however the possibility it may be a rare benign variant cannot be excluded.

NM_172107.4(KCNQ2):c.657G>C (p.Lys219Asn)

Gene: KCNQ2 (potassium voltage-gated channel subfamily Q member 2; minus strand). Cytogenetic location: 20q13.33.
Variant type: single nucleotide variant.
Coding change: c.657G>C on transcript NM_172107.4 (MANE Select); coding-DNA position 657, G replaced by C.
Protein change: p.Lys219Asn; replaces lysine 219 with asparagine.
Molecular consequence: missense variant.
Genome position (GRCh38, 1-based): chr20:63,444,692, C>G on the plus strand (G>C on the coding strand, the complement: KCNQ2 is on the minus strand). VCF-style: chr20-63444692-C-G. GRCh37 (hg19) VCF-style: chr20-62076045-C-G.
Other names: c.657G>C, p.Lys219Asn (NM_004518.6, NM_172106.3, NM_172108.5 and 1 more transcripts); short protein forms K219N.
Identifiers: ClinVar variation 391958 (VCV000391958.2), dbSNP rs770290221, ClinGen allele CA16608025.
Genomic context (GRCh38, chr20:63,444,692, plus strand): 5'-ACCGCCAGCCTTGGGGCCGTGACTCACCTTGCTGTGGGCATAGACCACAGAGCCCAGCAG[C>G]TTCCAGGTGCCTCCCCGCCGGTCCATGCGGATCATCCGCAGAATCTGCAGGAAGCGCAGG-3'
Protein context (NP_742105.1, residues 209-229): IRMDRRGGTW[Lys219Asn]LLGSVVYAHS